The following is an entry in ClinVar:

NM_139057.4(ADAMTS17):c.964G>A (p.Gly322Ser)

Gene: ADAMTS17 (ADAM metallopeptidase with thrombospondin type 1 motif 17; minus strand). Cytogenetic location: 15q26.3.
Variant type: single nucleotide variant.
Coding change: c.964G>A on transcript NM_139057.4 (MANE Select); coding-DNA position 964, G replaced by A.
Protein change: p.Gly322Ser; replaces glycine 322 with serine.
Molecular consequence: missense variant.
Genome position (GRCh38, 1-based): chr15:100,261,546, C>T on the plus strand (G>A on the coding strand, the complement: ADAMTS17 is on the minus strand). VCF-style: chr15-100261546-C-T. GRCh37 (hg19) VCF-style: chr15-100801751-C-T.
Other names: short protein forms G322S.
Identifiers: ClinVar variation 1517205 (VCV001517205.3), dbSNP rs148282394, ClinGen allele CA7758465.

ClinVar aggregate classification (germline): Uncertain significance (1 of 4 stars; one submission).

Allele frequency attached by ClinVar (database versions not stated): ExAC 0.00002; gnomAD exomes 0.00002 and 0.00011; gnomAD 0.00004; TOPMed 0.00006; ESP Exome Variant Server 0.00015.
gnomAD v4.1: 170 of 1,614,036 alleles (0.011%); highest among the groups gnomAD compares: East Asian, 0.038%; no homozygotes.

Submission:

Labcorp Genetics (formerly Invitae), Labcorp
Classification: Uncertain significance. Last evaluated: 2021-12-13. Review status: criteria provided, single submitter. Criteria: Invitae Variant Classification Sherloc (09022015). Collection method: clinical testing. Allele origin: germline.
Comment: This sequence change replaces glycine, which is neutral and non-polar, with serine, which is neutral and polar, at codon 322 of the ADAMTS17 protein (p.Gly322Ser). This variant is present in population databases (rs148282394, gnomAD 0.004%). This variant has not been reported in the literature in individuals affected with ADAMTS17-related conditions. Algorithms developed to predict the effect of missense changes on protein structure and function are either unavailable or do not agree on the potential impact of this missense change (SIFT: "Not Available"; PolyPhen-2: "Probably Damaging"; Align-GVGD: "Not Available"). In summary, the available evidence is currently insufficient to determine the role of this variant in disease. Therefore, it has been classified as a Variant of Uncertain Significance.